The following is an entry in ClinVar:

GRCh38/hg38 6q11.1-12(chr6:62375491-62988572)x3

Variant type: copy number gain.
Change: copy number 3 (three copies instead of two) of chr6:62,375,491-62,988,572 (613.1 kb, GRCh38 coordinates, 1-based), cytogenetic band 6q11.1-12.
Identifiers: ClinVar variation 59503 (VCV000059503.1).

ClinVar aggregate classification (germline): Uncertain significance (1 of 4 stars; one submission).

Submission:

ISCA site 14
Classification: Uncertain significance. Last evaluated: 2011-08-12. Review status: criteria provided, single submitter. Criteria: Kaminsky et al. (Genet Med. 2011). Collection method: clinical testing. Allele origin: unknown. Affected: yes. Observed: 1 variant allele.
Comment: Copy number variation identified through the course of routine clinical cytogenomic testing in postnatal populations. Clinical assertions have been curated as described in Kaminsky et al. 2011.